The following is an entry in ClinVar:

NM_001999.4(FBN2):c.5638G>A (p.Ala1880Thr)

Gene: FBN2 (fibrillin 2; minus strand). Cytogenetic location: 5q23.3.
Variant type: single nucleotide variant.
Coding change: c.5638G>A on transcript NM_001999.4 (MANE Select); coding-DNA position 5638, G replaced by A.
Protein change: p.Ala1880Thr; replaces alanine 1880 with threonine.
Molecular consequence: missense variant.
Genome position (GRCh38, 1-based): chr5:128,305,547, C>T on the plus strand (G>A on the coding strand, the complement: FBN2 is on the minus strand). VCF-style: chr5-128305547-C-T. GRCh37 (hg19) VCF-style: chr5-127641239-C-T.
Other names: short protein forms A1880T.
Identifiers: ClinVar variation 971337 (VCV000971337.13), dbSNP rs546148828, ClinGen allele CA3394652.

ClinVar aggregate classification (germline): Conflicting classifications of pathogenicity. Review status: criteria provided, conflicting classifications (1 of 4 stars). 4 submissions from 4 submitters: Uncertain significance (3); Likely benign (1). Last evaluated 2026-05-12.

Conditions:
Congenital contractural arachnodactyly (CCA). Also called: BEALS SYNDROME; Beals-Hecht syndrome; Arthrogryposis, distal, type 9. Identifiers: Orphanet 115, MedGen C0220668, MONDO:0007363, OMIM 121050.
Familial thoracic aortic aneurysm and aortic dissection (TAAD). Also called: Thoracic aortic aneurysms and dissections. Identifiers: Orphanet 91387, MedGen C4707243, MONDO:0019625.

Allele frequency attached by ClinVar (database versions not stated): 1000 Genomes Project 30x 0.00016; gnomAD exomes 0.00004; TOPMed 0.00002; ExAC 0.00003; gnomAD 0.00003; 1000 Genomes Project 0.00020.
gnomAD v4.1: 73 of 1,613,986 alleles (0.0045%); highest among the groups gnomAD compares: East Asian, 0.02%; no homozygotes.

Submissions (4):

Women's Health and Genetics/Laboratory Corporation of America, LabCorp
Classification: Uncertain significance. Last evaluated: 2026-05-12. Review status: criteria provided, single submitter. Criteria: LabCorp Variant Classification Summary - May 2015. Collection method: clinical testing. Allele origin: germline.

Labcorp Genetics (formerly Invitae), Labcorp
Classification: Likely benign for Congenital contractural arachnodactyly. Last evaluated: 2024-11-17. Review status: criteria provided, single submitter. Criteria: Invitae Variant Classification Sherloc (09022015). Collection method: clinical testing. Allele origin: germline.

GeneDx
Classification: Uncertain significance. Last evaluated: 2024-10-02. Review status: criteria provided, single submitter. Criteria: GeneDx Variant Classification Process June 2021. Collection method: clinical testing. Allele origin: germline. Affected: yes.
Comment: In silico analysis indicates that this missense variant does not alter protein structure/function; Has not been previously published as pathogenic or benign to our knowledge

Ambry Genetics
Classification: Uncertain significance for Familial thoracic aortic aneurysm and aortic dissection. Last evaluated: 2022-11-09. Review status: criteria provided, single submitter. Criteria: Ambry Variant Classification Scheme 2023. Collection method: clinical testing. Allele origin: germline.
Comment: The p.A1880T variant (also known as c.5638G>A), located in coding exon 44 of the FBN2 gene, results from a G to A substitution at nucleotide position 5638. The alanine at codon 1880 is replaced by threonine, an amino acid with similar properties. This amino acid position is not well conserved in available vertebrate species. In addition, this alteration is predicted to be tolerated by in silico analysis. Since supporting evidence is limited at this time, the clinical significance of this alteration remains unclear.